The following is an entry in ClinVar:

ClinVar aggregate classification (germline): Benign. Review status: criteria provided, multiple submitters, no conflicts (2 of 4 stars). 3 submissions from 3 submitters: Benign (3). Last evaluated 2025-12-01.

Allele frequency attached by ClinVar (database versions not stated): 1000 Genomes Project 0.00379; 1000 Genomes Project 30x 0.00453; ExAC 0.00629; gnomAD exomes 0.00658; gnomAD 0.00667 and 0.00671; TOPMed 0.00737; ESP Exome Variant Server 0.00738.
gnomAD v4.1: 13,544 of 1,594,402 alleles (0.85%); highest among the groups gnomAD compares: Middle Eastern, 1.4%; 81 homozygotes.

Submissions (3):

CeGaT Center for Human Genetics Tuebingen
Classification: Benign. Last evaluated: 2025-12-01. Review status: criteria provided, single submitter. Criteria: CeGaT Center For Human Genetics Tuebingen Variant Classification Criteria Version 2. Collection method: clinical testing. Allele origin: germline. Affected: yes. Observed: 1 variant allele.
Comment: PAX4: BS1, BS2

GeneDx
Classification: Benign. Last evaluated: 2021-11-19. Review status: criteria provided, single submitter. Criteria: GeneDx Variant Classification Process June 2021. Collection method: clinical testing. Allele origin: germline. Affected: yes.

Breakthrough Genomics
Classification: Benign. Review status: criteria provided, single submitter. Criteria: ACMG Guidelines, 2015. Collection method: not provided. Allele origin: germline. Inheritance: Autosomal dominant inheritance. Affected: yes.

NM_001366110.1(PAX4):c.716-42C>T

Gene: PAX4 (paired box 4; minus strand). Cytogenetic location: 7q32.1.
Variant type: single nucleotide variant.
Coding change: c.716-42C>T on transcript NM_001366110.1 (MANE Select); 42 bases into the intron before coding-DNA position 716, C replaced by T.
Molecular consequence: intron variant.
Genome position (GRCh38, 1-based): chr7:127,612,042, G>A on the plus strand (C>T on the coding strand, the complement: PAX4 is on the minus strand). VCF-style: chr7-127612042-G-A. GRCh37 (hg19) VCF-style: chr7-127252096-G-A.
Other names: c.716-42C>T (NM_001366111.1).
Identifiers: ClinVar variation 1326079 (VCV001326079.8), dbSNP rs117823055, ClinGen allele CA4467961.